The following is an entry in ClinVar:

NM_001267550.2(TTN):c.31154A>G (p.Glu10385Gly)

Gene: TTN (titin; minus strand). Cytogenetic location: 2q31.2.
Variant type: single nucleotide variant.
Coding change: c.31154A>G on transcript NM_001267550.2 (MANE Select); coding-DNA position 31154, A replaced by G.
Protein change: p.Glu10385Gly; replaces glutamic acid 10385 with glycine.
Molecular consequence: missense variant. On other transcripts: intron variant (3).
Genome position (GRCh38, 1-based): chr2:178,695,918, T>C on the plus strand (A>G on the coding strand, the complement: TTN is on the minus strand). VCF-style: chr2-178695918-T-C. GRCh37 (hg19) VCF-style: chr2-179560645-T-C.
Other names: c.30203A>G, p.Glu10068Gly (NM_001256850.1); c.27422A>G, p.Glu9141Gly (NM_133378.4); c.13282+42164A>G (NM_003319.4); c.13858+42164A>G (NM_133437.4); c.13657+42164A>G (NM_133432.3); short protein forms E10385G, E10068G, E9141G.
Identifiers: ClinVar variation 4988393 (VCV004988393.1).
Genomic context (GRCh38, chr2:178,695,918, plus strand): 5'-TACATACCTTCATAGACCTCCTTTTGAACTTGAATTACTTCCCTTTCTTGGTAAGCCTCT[T>C]CCCACTCTTCCTCCCCTTCGTCATAGCCTTCTTCCCTTTCATAGTATTCTTGCCCTTCTT-3'
Protein context (NP_001254479.2, residues 10375-10395): EGYDEGEEEW[Glu10385Gly]EAYQEREVIQ

ClinVar aggregate classification (germline): Uncertain significance (1 of 4 stars; one submission).

Conditions:
TTN-related disorder. Also called: TTN-related disorders; TTN-related condition; TTN-related disease.

gnomAD v4.1: 27 of 1,485,970 alleles (0.0018%); highest among the groups gnomAD compares: Non-Finnish European, 0.0023%; no homozygotes.

Submission:

PreventionGenetics, part of Exact Sciences
Classification: Uncertain significance for TTN-related condition. Last evaluated: 2026-09-15. Review status: criteria provided, single submitter. Criteria: ACMG Guidelines, 2015. Collection method: clinical testing. Allele origin: germline.
Comment: The TTN c.31154A>G variant is predicted to result in the amino acid substitution p.Glu10385Gly. To our knowledge, this variant has not been reported in the literature. This variant has not been reported in a large population database; however, the coverage of this variant should be interpreted with caution. At this time, the clinical significance of this variant is uncertain due to the absence of conclusive functional and genetic evidence.